The following is an entry in ClinVar:

ClinVar aggregate classification (germline): Pathogenic/Likely pathogenic. Review status: criteria provided, multiple submitters, no conflicts (2 of 4 stars). 2 submissions from 2 submitters: Pathogenic (1); Likely pathogenic (1). Last evaluated 2024-08-14.

Conditions:
Ehlers-Danlos syndrome, classic type, 1 (EDSCL1). Also called: Ehlers-Danlos Syndrome, Classic Type, COL5A1-Related; EHLERS-DANLOS SYNDROME, GRAVIS TYPE; EHLERS-DANLOS SYNDROME, SEVERE CLASSIC TYPE; Ehlers-Danlos syndrome, type 1; EDS I. Identifiers: MedGen C0268335, MONDO:0019567, OMIM 130000.

Submissions (2):

GeneDx
Classification: Likely pathogenic. Last evaluated: 2024-08-14. Review status: criteria provided, single submitter. Criteria: GeneDx Variant Classification Process June 2021. Collection method: clinical testing. Allele origin: germline. Affected: yes.
Comment: Not observed at significant frequency in large population cohorts (gnomAD); Functional in vitro studies on patient-derived fibroblasts showed a reduction in type V protein expression (PMID: 22696272); In silico analysis supports that this missense variant has a deleterious effect on protein structure/function; This variant is associated with the following publications: (PMID: 22696272, 34265140)

Labcorp Genetics (formerly Invitae), Labcorp
Classification: Pathogenic for Ehlers-Danlos syndrome, classic type, 1. Last evaluated: 2022-06-04. Review status: criteria provided, single submitter. Criteria: Invitae Variant Classification Sherloc (09022015). Collection method: clinical testing. Allele origin: germline.
Comment: For these reasons, this variant has been classified as Pathogenic. This variant disrupts the triple helix domain of COL5A1. Glycine residues within the Gly-Xaa-Yaa repeats of the triple helix domain are required for the structure and stability of fibrillar collagens (PMID: 7695699, 8218237, 19344236), and variants at these glycine residues in COL5A1 are more frequently observed in individuals with disease than in the general population (PMID: 22696272, 23587214). However, the clinical significance of this observation remains uncertain since only a limited number of affected individuals have been described to date. Algorithms developed to predict the effect of sequence changes on RNA splicing suggest that this variant may create or strengthen a splice site. Studies have shown that this missense change alters COL5A1 gene expression (PMID: 22696272). Advanced modeling of protein sequence and biophysical properties (such as structural, functional, and spatial information, amino acid conservation, physicochemical variation, residue mobility, and thermodynamic stability) performed at Invitae indicates that this missense variant is expected to disrupt COL5A1 protein function. ClinVar contains an entry for this variant (Variation ID: 212981). This missense change has been observed in individuals with Ehlers-Danlos syndrome or its clinical features (PMID: 22696272; Invitae). It has also been observed to segregate with disease in related individuals. This variant is not present in population databases (gnomAD no frequency). This sequence change replaces glycine, which is neutral and non-polar, with serine, which is neutral and polar, at codon 1492 of the COL5A1 protein (p.Gly1492Ser).

Literature cited by the submitters: PubMed 7695699 (cited by Labcorp Genetics (formerly Invitae), Labcorp); PubMed 8218237 (cited by Labcorp Genetics (formerly Invitae), Labcorp); PubMed 19344236 (cited by Labcorp Genetics (formerly Invitae), Labcorp); PubMed 22696272 (cited by Labcorp Genetics (formerly Invitae), Labcorp); PubMed 23587214 (cited by Labcorp Genetics (formerly Invitae), Labcorp).

NM_000093.5(COL5A1):c.4474G>A (p.Gly1492Ser)

Genes: COL5A1 (collagen type V alpha 1 chain; plus strand), LOC101448202 (uncharacterized LOC101448202; minus strand). Cytogenetic location: 9q34.3.
Variant type: single nucleotide variant.
Coding change: c.4474G>A on transcript NM_000093.5 (MANE Select); coding-DNA position 4474, G replaced by A.
Protein change: p.Gly1492Ser; replaces glycine 1492 with serine.
Molecular consequence: missense variant. On other transcripts: non-coding transcript variant (1).
Genome position (GRCh38, 1-based): chr9:134,820,143, G>A. VCF-style: chr9-134820143-G-A. GRCh37 (hg19) VCF-style: chr9-137711989-G-A.
Other names: p.G1492S:GGT>AGT; c.4474G>A, p.Gly1492Ser (NM_001278074.1); short protein forms G1492S.
Identifiers: ClinVar variation 212981 (VCV000212981.14), dbSNP rs863223458, ClinGen allele CA324763.